The following is an entry in ClinVar:

NM_001367624.2(ZNF469):c.9055G>A (p.Glu3019Lys)

Gene: ZNF469 (zinc finger protein 469; plus strand). Cytogenetic location: 16q24.2.
Variant type: single nucleotide variant.
Coding change: c.9055G>A on transcript NM_001367624.2 (MANE Select); coding-DNA position 9055, G replaced by A.
Protein change: p.Glu3019Lys; replaces glutamic acid 3019 with lysine.
Molecular consequence: missense variant.
Genome position (GRCh38, 1-based): chr16:88,436,525, G>A. VCF-style: chr16-88436525-G-A. GRCh37 (hg19) VCF-style: chr16-88502933-G-A.
Other names: NM_001127464.1:c.8971G>A; short protein forms E3019K.
Identifiers: ClinVar variation 623906 (VCV000623906.48), dbSNP rs765339766, ClinGen allele CA286384995.

ClinVar aggregate classification (germline): Uncertain significance. Review status: criteria provided, multiple submitters, no conflicts (2 of 4 stars). 4 submissions from 4 submitters: Uncertain significance (4). Last evaluated 2025-06-07.

Conditions:
Cardiovascular phenotype. Identifiers: MedGen CN230736.

Allele frequency attached by ClinVar (database versions not stated): gnomAD 0.00001; gnomAD exomes 0.00001; TOPMed 0.00002.
gnomAD v4.1: 11 of 1,548,896 alleles (0.00071%); highest among the groups gnomAD compares: Admixed American, 0.0078%; no homozygotes.

Submissions (4):

Ambry Genetics
Classification: Uncertain significance for Cardiovascular phenotype. Last evaluated: 2025-06-07. Review status: criteria provided, single submitter. Criteria: Ambry Variant Classification Scheme 2023. Collection method: clinical testing. Allele origin: germline.
Comment: The p.E2991K variant (also known as c.8971G>A), located in coding exon 2 of the ZNF469 gene, results from a G to A substitution at nucleotide position 8971. The glutamic acid at codon 2991 is replaced by lysine, an amino acid with similar properties. This amino acid position is conserved. In addition, this alteration is predicted to be tolerated by in silico analysis. Since supporting evidence is limited at this time, the clinical significance of this alteration remains unclear.

GeneDx
Classification: Uncertain significance. Last evaluated: 2024-10-13. Review status: criteria provided, single submitter. Criteria: GeneDx Variant Classification Process June 2021. Collection method: clinical testing. Allele origin: germline. Affected: yes.
Comment: Has not been previously published as pathogenic or benign to our knowledge; In silico analysis indicates that this missense variant does not alter protein structure/function; Not observed at significant frequency in large population cohorts (gnomAD)

Labcorp Genetics (formerly Invitae), Labcorp
Classification: Uncertain significance. Last evaluated: 2021-08-31. Review status: criteria provided, single submitter. Criteria: Invitae Variant Classification Sherloc (09022015). Collection method: clinical testing. Allele origin: germline.
Comment: This sequence change replaces glutamic acid with lysine at codon 2991 of the ZNF469 protein (p.Glu2991Lys). The glutamic acid residue is highly conserved and there is a small physicochemical difference between glutamic acid and lysine. This variant is not present in population databases (ExAC no frequency). This variant has not been reported in the literature in individuals affected with ZNF469-related conditions. Algorithms developed to predict the effect of missense changes on protein structure and function are either unavailable or do not agree on the potential impact of this missense change (SIFT: "Deleterious"; PolyPhen-2: "Probably Damaging"; Align-GVGD: "Class C0"). In summary, the available evidence is currently insufficient to determine the role of this variant in disease. Therefore, it has been classified as a Variant of Uncertain Significance.

CeGaT Center for Human Genetics Tuebingen
Classification: Uncertain significance. Last evaluated: 2018-07-01. Review status: criteria provided, single submitter. Criteria: CeGaT Center For Human Genetics Tuebingen Variant Classification Criteria Version 2. Collection method: clinical testing. Allele origin: germline. Affected: yes. Observed: 1 variant allele.